The following is an entry in ClinVar:

NM_007294.4(BRCA1):c.3249G>A (p.Met1083Ile)

Genes: BRCA1 (BRCA1 DNA repair associated; minus strand), LOC126862571 (BRD4-independent group 4 enhancer GRCh37_chr17:41243136-41244335; plus strand). Cytogenetic location: 17q21.31.
Variant type: single nucleotide variant.
Coding change: c.3249G>A on transcript NM_007294.4 (MANE Select); coding-DNA position 3249, G replaced by A.
Protein change: p.Met1083Ile; replaces methionine 1083 with isoleucine.
Molecular consequence: missense variant. On other transcripts: intron variant (137).
Genome position (GRCh38, 1-based): chr17:43,092,282, C>T on the plus strand (G>A on the coding strand, the complement: BRCA1 is on the minus strand). VCF-style: chr17-43092282-C-T. GRCh37 (hg19) VCF-style: chr17-41244299-C-T.
Other names: c.3036G>A, p.Met1012Ile (NM_001407571.1, NM_001407853.1, NM_001407894.1 and 9 more transcripts); c.3249G>A, p.Met1083Ile (NM_001407581.1, NM_001407582.1, NM_001407583.1 and 30 more transcripts); c.3246G>A, p.Met1082Ile (NM_001407587.1, NM_001407590.1, NM_001407591.1 and 22 more transcripts); c.3240G>A, p.Met1080Ile (NM_001407646.1, NM_001407647.1); c.3126G>A, p.Met1042Ile (NM_001407648.1, NM_001407664.1, NM_001407665.1 and 19 more transcripts); c.3123G>A, p.Met1041Ile (NM_001407649.1, NM_001407670.1, NM_001407671.1 and 11 more transcripts); c.3171G>A, p.Met1057Ile (NM_001407653.1, NM_001407654.1, NM_001407655.1 and 4 more transcripts); c.3168G>A, p.Met1056Ile (NM_001407659.1, NM_001407660.1, NM_001407661.1 and 1 more transcripts); and 41 more; short protein forms M1036I, M1083I, M1012I, M1015I, M1016I, M1035I, M1056I, M1080I.
Identifiers: ClinVar variation 1407672 (VCV001407672.12), dbSNP rs1367761716, ClinGen allele CA10595487.
Genomic context (GRCh38, chr17:43,092,282, plus strand): 5'-ACAATTACTTCCAGGAAGACTTTGTTTATAGACCTCAGGTTGCAAAACCCCTAATCTAAG[C>T]ATAGCATTCAATTTTGGCCCTCTGTTTCTACCTAGTTCTGCTTGAATGTTTTCATCACTG-3'
Protein context (NP_009225.1, residues 1073-1093): GRNRGPKLNA[Met1083Ile]LRLGVLQPEV

ClinVar aggregate classification (germline): Conflicting classifications of pathogenicity. Review status: criteria provided, conflicting classifications (1 of 4 stars). 4 submissions from 4 submitters: Uncertain significance (3); Likely benign (1). Last evaluated 2025-05-13.

Conditions:
Hereditary cancer-predisposing syndrome. Also called: Hereditary Cancer Syndrome; Tumor predisposition; Hereditary neoplastic syndrome; Neoplastic Syndromes, Hereditary. Identifiers: Orphanet 140162, MedGen C0027672, MeSH D009386, MONDO:0015356.
Hereditary breast ovarian cancer syndrome. Also called: Hereditary breast and ovarian cancer syndrome (HBOC); Breast and ovarian cancer; Hereditary breast and ovarian cancer syndrome; Hereditary breast and/or ovarian cancer syndrome; Hereditary breast and ovarian cancer; BRCA1- and BRCA2-Associated Hereditary Breast and Ovarian Cancer. Identifiers: Orphanet 145, MedGen C0677776, MeSH D061325, MONDO:0003582. Disease mechanism: loss of function.

Allele frequency attached by ClinVar (database versions not stated): gnomAD exomes below 0.00001.

Submissions (4):

Color Diagnostics, LLC DBA Color Health
Classification: Uncertain significance for Hereditary cancer-predisposing syndrome. Last evaluated: 2025-05-13. Review status: criteria provided, single submitter. Criteria: ACMG Guidelines, 2015. Collection method: clinical testing. Allele origin: germline.
Comment: This missense variant replaces methionine with isoleucine at codon 1083 of the BRCA1 protein. Computational prediction suggests that this variant may not impact protein structure and function. To our knowledge, functional studies have not been reported for this variant. This variant has been detected in a breast cancer case-control meta-analysis in 0/60466 cases and 2/53461 unaffected individuals (PMID: 33471991Leiden Open Variation Database DB-ID BRCA1_006341). This variant has been identified in 1/250476 chromosomes in the general population by the Genome Aggregation Database (gnomAD). The available evidence is insufficient to determine the role of this variant in disease conclusively. Therefore, this variant is classified as a Variant of Uncertain Significance.

Ambry Genetics
Classification: Uncertain significance for Hereditary cancer-predisposing syndrome. Last evaluated: 2024-10-24. Review status: criteria provided, single submitter. Criteria: Ambry Variant Classification Scheme 2023. Collection method: clinical testing. Allele origin: germline.
Comment: The p.M1083I variant (also known as c.3249G>A), located in coding exon 9 of the BRCA1 gene, results from a G to A substitution at nucleotide position 3249. The methionine at codon 1083 is replaced by isoleucine, an amino acid with highly similar properties. This amino acid position is conserved. In addition, this alteration is predicted to be tolerated by in silico analysis. Since supporting evidence is limited at this time, the clinical significance of this alteration remains unclear.

Labcorp Genetics (formerly Invitae), Labcorp
Classification: Uncertain significance for Hereditary breast ovarian cancer syndrome. Last evaluated: 2023-11-25. Review status: criteria provided, single submitter. Criteria: Invitae Variant Classification Sherloc (09022015). Collection method: clinical testing. Allele origin: germline.
Comment: This sequence change replaces methionine, which is neutral and non-polar, with isoleucine, which is neutral and non-polar, at codon 1083 of the BRCA1 protein (p.Met1083Ile). This variant is present in population databases (no rsID available, gnomAD 0.0009%). This variant has not been reported in the literature in individuals affected with BRCA1-related conditions. ClinVar contains an entry for this variant (Variation ID: 1407672). Advanced modeling of protein sequence and biophysical properties (such as structural, functional, and spatial information, amino acid conservation, physicochemical variation, residue mobility, and thermodynamic stability) performed at Invitae indicates that this missense variant is not expected to disrupt BRCA1 protein function with a negative predictive value of 95%. In summary, the available evidence is currently insufficient to determine the role of this variant in disease. Therefore, it has been classified as a Variant of Uncertain Significance.

University of Washington Department of Laboratory Medicine, University of Washington
Classification: Likely benign for Hereditary cancer-predisposing syndrome. Last evaluated: 2023-03-23. Review status: criteria provided, single submitter. Criteria: Dines et al. (Genet Med. 2020). Collection method: curation. Allele origin: germline.
Comment: Missense variant in a coldspot region where missense variants are very unlikely to be pathogenic (PMID:31911673).

BRCA1 coldspot (exon 11 using historical exon numbering). Reclassification based on statistical prior probability

Literature cited by the submitters: PubMed 33471991 (cited by Color Diagnostics, LLC DBA Color Health).